The following is an entry in ClinVar:

NM_001122955.4(BSCL2):c.844G>A (p.Ala282Thr)

Genes: BSCL2 (BSCL2 lipid droplet biogenesis associated, seipin; minus strand), HNRNPUL2-BSCL2 (HNRNPUL2-BSCL2 readthrough (NMD candidate); minus strand). Cytogenetic location: 11q12.3.
Variant type: single nucleotide variant.
Coding change: c.844G>A on transcript NM_001122955.4 (MANE Select); coding-DNA position 844, G replaced by A.
Protein change: p.Ala282Thr; replaces alanine 282 with threonine.
Molecular consequence: missense variant. On other transcripts: non-coding transcript variant (1).
Genome position (GRCh38, 1-based): chr11:62,692,395, C>T on the plus strand (G>A on the coding strand, the complement: BSCL2 is on the minus strand). VCF-style: chr11-62692395-C-T. GRCh37 (hg19) VCF-style: chr11-62459867-C-T.
Other names: c.652G>A, p.Ala218Thr (NM_001130702.2, NM_032667.6); c.844G>A, p.Ala282Thr (NM_001386027.1, NM_001386028.1); short protein forms A282T, A218T.
Identifiers: ClinVar variation 476815 (VCV000476815.62), dbSNP rs190842600, ClinGen allele CA6053438.

ClinVar aggregate classification (germline): Uncertain significance. Review status: criteria provided, multiple submitters, no conflicts (2 of 4 stars). 10 submissions from 10 submitters: Uncertain significance (10). Last evaluated 2025-12-31.

Conditions:
Charcot-Marie-Tooth disease type 2. Also called: Charcot-Marie-Tooth type 2. Identifiers: Orphanet 64746, MedGen C0270914, MONDO:0018993.
Congenital generalized lipodystrophy type 2 (CGL2). Also called: SEIP SYNDROME; BERARDINELLI SYNDROME; BRUNZELL SYNDROME, BSCL2-RELATED; Berardinelli-Seip Congenital Lipodystrophy Type 2. Identifiers: Orphanet 528, Orphanet 696289, MedGen C1720863, MONDO:0010020, OMIM 269700.
Neuronopathy, distal hereditary motor, type 5C. Also called: DHMN VC; NEURONOPATHY, DISTAL HEREDITARY MOTOR, HARDING TYPE VC; NEUROPATHY, DISTAL HEREDITARY MOTOR, HARDING TYPE VC; SPINAL MUSCULAR ATROPHY, DISTAL, HARDING TYPE VC; NEURONOPATHY, DISTAL HEREDITARY MOTOR, AUTOSOMAL DOMINANT 13. Identifiers: MedGen C5436838, MONDO:0030860, OMIM 619112.
Hereditary spastic paraplegia 17. Also called: SPASTIC PARAPLEGIA WITH AMYOTROPHY OF HANDS AND FEET; Silver spastic paraplegia syndrome; Spastic Paraplegia 17; Autosomal dominant spastic paraplegia type 17; Silver Syndrome. Identifiers: Orphanet 100998, MedGen C2931276, MONDO:0010043, OMIM 270685.
Severe neurodegenerative syndrome with lipodystrophy. Also called: ENCEPHALOPATHY, PROGRESSIVE, WITH LIPODYSTROPHY; Encephalopathy, progressive, with or without lipodystrophy. Identifiers: Orphanet 363400, MedGen C4014700, MONDO:0014402, OMIM 615924.
Hereditary spastic paraplegia. Also called: Familial spastic paraparesis. Identifiers: Orphanet 685, MedGen C0037773, MONDO:0019064. Disease mechanism: loss of function.
Inborn genetic diseases. Identifiers: MedGen C0950123, MeSH D030342.

Allele frequency attached by ClinVar (database versions not stated): ExAC 0.00003; gnomAD exomes 0.00004; gnomAD 0.00014 and 0.00016; ESP Exome Variant Server 0.00015; TOPMed 0.00018; 1000 Genomes Project 0.00040; 1000 Genomes Project 30x 0.00047.
gnomAD v4.1: 102 of 1,614,078 alleles (0.0063%); highest among the groups gnomAD compares: African/African-American, 0.076%; no homozygotes.

Submissions (10):

Labcorp Genetics (formerly Invitae), Labcorp
Classification: Uncertain significance for Charcot-Marie-Tooth disease type 2. Last evaluated: 2025-12-31. Review status: criteria provided, single submitter. Criteria: Invitae Variant Classification Sherloc (09022015). Collection method: clinical testing. Allele origin: germline.
Comment: This sequence change replaces alanine, which is neutral and non-polar, with threonine, which is neutral and polar, at codon 218 of the BSCL2 protein (p.Ala218Thr). This variant is present in population databases (rs190842600, gnomAD 0.02%). This missense change has been observed in individual(s) with clinical features of BSCL2-related conditions (PMID: 37541188). This variant is also known as p.Ala282Thr. ClinVar contains an entry for this variant (Variation ID: 476815). Invitae Evidence Modeling of protein sequence and biophysical properties (such as structural, functional, and spatial information, amino acid conservation, physicochemical variation, residue mobility, and thermodynamic stability) indicates that this missense variant is expected to disrupt BSCL2 protein function with a positive predictive value of 80%. In summary, the available evidence is currently insufficient to determine the role of this variant in disease. Therefore, it has been classified as a Variant of Uncertain Significance.

Ambry Genetics
Classification: Uncertain significance for Inborn genetic diseases. Last evaluated: 2025-11-24. Review status: criteria provided, single submitter. Criteria: Ambry Variant Classification Scheme 2023. Collection method: clinical testing. Allele origin: germline.
Comment: Unlikely to be causative of autosomal dominant BSCL2-related neurologic disorders (AD) Based on insufficient or conflicting evidence, the clinical significance of this alteration remains unclear.

Fulgent Genetics
Classification: Uncertain significance for Congenital generalized lipodystrophy type 2; Hereditary spastic paraplegia 17; Severe neurodegenerative syndrome with lipodystrophy; Neuronopathy, distal hereditary motor, type 5C. Last evaluated: 2024-03-15. Review status: criteria provided, single submitter. Criteria: ACMG Guidelines, 2015. Collection method: clinical testing. Allele origin: germline.

Department of Pathology and Laboratory Medicine, Sinai Health System
Classification: Uncertain significance for Hereditary spastic paraplegia 17. Last evaluated: 2023-01-30. Review status: criteria provided, single submitter. Criteria: ACMG Guidelines, 2015. Collection method: research. Allele origin: germline.

CeGaT Center for Human Genetics Tuebingen
Classification: Uncertain significance. Last evaluated: 2023-01-01. Review status: criteria provided, single submitter. Criteria: CeGaT Center For Human Genetics Tuebingen Variant Classification Criteria Version 2. Collection method: clinical testing. Allele origin: germline. Affected: yes. Observed: 3 variant alleles.

Baylor Genetics
Classification: Uncertain significance for Congenital generalized lipodystrophy type 2. Last evaluated: 2022-01-06. Review status: criteria provided, single submitter. Criteria: ACMG Guidelines, 2015. Collection method: clinical testing. Allele origin: unknown.

GeneDx
Classification: Uncertain significance. Last evaluated: 2020-12-03. Review status: criteria provided, single submitter. Criteria: GeneDx Variant Classification Process June 2021. Collection method: clinical testing. Allele origin: germline. Affected: yes.
Comment: In silico analysis supports that this missense variant has a deleterious effect on protein structure/function; Has not been previously published as pathogenic or benign to our knowledge

Genetic Services Laboratory, University of Chicago
Classification: Uncertain significance. Last evaluated: 2017-10-18. Review status: criteria provided, single submitter. Criteria: ACMG Guidelines, 2015. Collection method: clinical testing. Allele origin: germline. Affected: no.

Genome Diagnostics Laboratory, The Hospital for Sick Children
Classification: Uncertain significance for Hereditary spastic paraplegia. Last evaluated: 2017-10-02. Review status: criteria provided, single submitter. Criteria: ACMG Guidelines, 2015. Collection method: clinical testing. Allele origin: germline. Affected: yes.

Breakthrough Genomics
Classification: Uncertain significance. Review status: criteria provided, single submitter. Criteria: ACMG Guidelines, 2015. Collection method: not provided. Allele origin: germline. Inheritance: Autosomal recessive inheritance. Affected: yes.

Literature cited by the submitters: PubMed 37541188 (cited by Labcorp Genetics (formerly Invitae), Labcorp).